The following is an entry in ClinVar:

ClinVar aggregate classification (germline): Conflicting classifications of pathogenicity. Review status: criteria provided, conflicting classifications (1 of 4 stars). 2 submissions from 2 submitters: Likely pathogenic (1); Uncertain significance (1). Last evaluated 2025-06-30.

Conditions:
Neurofibromatosis, type 1 (NF1). Also called: Peripheral type neurofibromatosis; Neurofibromatosis, type I; VON RECKLINGHAUSEN DISEASE; NEUROFIBROMATOSIS, TYPE I, SOMATIC. Identifiers: Orphanet 636, MedGen C0027831, MONDO:0018975, OMIM 162200. Disease mechanism: loss of function.
Cardiovascular phenotype. Identifiers: MedGen CN230736.
Hereditary cancer-predisposing syndrome. Also called: Hereditary neoplastic syndrome; Tumor predisposition; Neoplastic Syndromes, Hereditary; Hereditary Cancer Syndrome. Identifiers: Orphanet 140162, MedGen C0027672, MeSH D009386, MONDO:0015356.

Submissions (2):

Labcorp Genetics (formerly Invitae), Labcorp
Classification: Likely pathogenic for Neurofibromatosis, type 1. Last evaluated: 2025-06-30. Review status: criteria provided, single submitter. Criteria: Invitae Variant Classification Sherloc (09022015). Collection method: clinical testing. Allele origin: germline.
Comment: This sequence change replaces serine, which is neutral and polar, with proline, which is neutral and non-polar, at codon 1578 of the NF1 protein (p.Ser1578Pro). This variant is not present in population databases (gnomAD no frequency). This missense change has been observed in individual(s) with clinical features of neurofibromatosis type I (PMID: 23913538; internal data). ClinVar contains an entry for this variant (Variation ID: 2479441). Invitae Evidence Modeling of protein sequence and biophysical properties (such as structural, functional, and spatial information, amino acid conservation, physicochemical variation, residue mobility, and thermodynamic stability) indicates that this missense variant is expected to disrupt NF1 protein function with a positive predictive value of 95%. This variant disrupts the p.Ser1578 amino acid residue in NF1. Other variant(s) that disrupt this residue have been determined to be pathogenic (PMID: 35885913). This suggests that this residue is clinically significant, and that variants that disrupt this residue are likely to be disease-causing. In summary, the currently available evidence indicates that the variant is pathogenic, but additional data are needed to prove that conclusively. Therefore, this variant has been classified as Likely Pathogenic.

Ambry Genetics
Classification: Uncertain significance for Cardiovascular phenotype; Hereditary cancer-predisposing syndrome. Last evaluated: 2023-03-01. Review status: criteria provided, single submitter. Criteria: Ambry Variant Classification Scheme 2023. Collection method: clinical testing. Allele origin: germline.
Comment: The p.S1578P variant (also known as c.4732T>C), located in coding exon 35 of the NF1 gene, results from a T to C substitution at nucleotide position 4732. The serine at codon 1578 is replaced by proline, an amino acid with similar properties. This variant was identified in 1 of 565 unrelated French probands with clinical diagnoses or suspicion of NF1 (Sabbagh A et al. Hum Mutat, 2013 Nov;34:1510-8). This amino acid position is highly conserved in available vertebrate species. In addition, this alteration is predicted to be deleterious by in silico analysis. Since supporting evidence is limited at this time, the clinical significance of this alteration remains unclear.

Literature cited by the submitters: PubMed 23913538 (cited by Labcorp Genetics (formerly Invitae), Labcorp); PubMed 35885913 (cited by Labcorp Genetics (formerly Invitae), Labcorp).

NM_001042492.3(NF1):c.4795T>C (p.Ser1599Pro)

Gene: NF1 (neurofibromin 1; plus strand). Cytogenetic location: 17q11.2.
Variant type: single nucleotide variant.
Coding change: c.4795T>C on transcript NM_001042492.3 (MANE Select); coding-DNA position 4795, T replaced by C.
Protein change: p.Ser1599Pro; replaces serine 1599 with proline.
Molecular consequence: missense variant.
Genome position (GRCh38, 1-based): chr17:31,265,299, T>C. VCF-style: chr17-31265299-T-C. GRCh37 (hg19) VCF-style: chr17-29592317-T-C.
Other names: c.4732T>C, p.Ser1578Pro (NM_000267.4); short protein forms S1599P, S1578P.
Identifiers: ClinVar variation 2479441 (VCV002479441.3), dbSNP rs2508445494, ClinGen allele CA399001307.
Genomic context (GRCh38, chr17:31,265,299, plus strand): 5'-CATGAAAAAGAAGAATTCAAGGCTTTGAAAACGTTAAGTATTTTCTACCAAGCTGGGACT[T>C]CCAAAGCTGGGAATCCTATTTTTTATTATGTTGCACGGAGGTAAGAAATACTATGTTTTG-3'
Protein context (NP_001035957.1, residues 1589-1609): TLSIFYQAGT[Ser1599Pro]KAGNPIFYYV